The following is an entry in ClinVar:

NM_000512.5(GALNS):c.423G>T (p.Trp141Cys)

Gene: GALNS (galactosamine (N-acetyl)-6-sulfatase; minus strand). Cytogenetic location: 16q24.3.
Variant type: single nucleotide variant.
Coding change: c.423G>T on transcript NM_000512.5 (MANE Select); coding-DNA position 423, G replaced by T.
Protein change: p.Trp141Cys; replaces tryptophan 141 with cysteine.
Molecular consequence: missense variant. On other transcripts: 5 prime UTR variant (1).
Genome position (GRCh38, 1-based): chr16:88,837,765, C>A on the plus strand (G>T on the coding strand, the complement: GALNS is on the minus strand). VCF-style: chr16-88837765-C-A. GRCh37 (hg19) VCF-style: chr16-88904173-C-A.
Other names: p.Trp141Cys; c.-133G>T (NM_001323543.2); c.441G>T, p.Trp147Cys (NM_001323544.2); short protein forms W141C, W147C.
Identifiers: ClinVar variation 1048404 (VCV001048404.5), dbSNP rs2143002473, ClinGen allele CA397083888.

ClinVar aggregate classification (germline): Conflicting classifications of pathogenicity. Review status: criteria provided, conflicting classifications (1 of 4 stars). 2 submissions from 2 submitters: Likely pathogenic (1); Uncertain significance (1). Last evaluated 2025-02-18.

Conditions:
Mucopolysaccharidosis, MPS-IV-A (MPS4A). Also called: Mucopolysaccharidosis type IV A; Mucopolysaccharidosis Type IVA; Morquio syndrome A, mild; MORQUIO SYNDROME A; MPS IVA; mucopolysaccharidosis type 4A. Identifiers: Orphanet 309297, Orphanet 582, MedGen C0086651, MONDO:0009659, OMIM 253000.

Submissions (2):

Foundation for Research in Genetics and Endocrinology, FRIGE's Institute of Human Genetics
Classification: Likely pathogenic for Mucopolysaccharidosis, MPS-IV-A. Last evaluated: 2025-02-18. Review status: criteria provided, single submitter. Criteria: ACMG Guidelines, 2015. Collection method: clinical testing. Allele origin: germline. Inheritance: Autosomal recessive inheritance. Affected: yes. Observed: 1 compound heterozygote.
Comment: A heterozygous missense variant in exon 5 of the GALNS gene that results in the amino acid substitution of Cystine for Tryptophan at codon 141 was detected. The observed variant c.423G>T has not been reported in the 1000 genomes and gnomAD databases. The in-silico prediction of the variant is disease causing by MutationTaster and DANN. In summary, the variant meets our criteria to be classified as likely pathogenic.

Laboratory of Diagnosis and Therapy of Lysosomal Disorders, University of Padova
Classification: Uncertain significance for Mucopolysaccharidosis, MPS-IV-A. Last evaluated: 2021-02-01. Review status: criteria provided, single submitter. Criteria: ACMG Guidelines, 2015. Collection method: curation. Allele origin: germline. Affected: yes.
Comment: Absent from gnomAD v2.1.1 (PM2_moderate); multiple lines of computational evidence support a deleterious effect on the gene (PP3_supporting)

Literature cited by the submitters: PubMed 15309681 (cited by Laboratory of Diagnosis and Therapy of Lysosomal Disorders, University of Padova); PubMed 16287098 (cited by Laboratory of Diagnosis and Therapy of Lysosomal Disorders, University of Padova); PubMed 34387910 (cited by Laboratory of Diagnosis and Therapy of Lysosomal Disorders, University of Padova).